The following is an entry in ClinVar:

NM_001206979.2(NR1H4):c.1334G>A (p.Arg445Gln)

Gene: NR1H4 (nuclear receptor subfamily 1 group H member 4; plus strand). Cytogenetic location: 12q23.1.
Variant type: single nucleotide variant.
Coding change: c.1334G>A on transcript NM_001206979.2 (MANE Select); coding-DNA position 1334, G replaced by A.
Protein change: p.Arg445Gln; replaces arginine 445 with glutamine.
Molecular consequence: missense variant. On other transcripts: non-coding transcript variant (1).
Genome position (GRCh38, 1-based): chr12:100,563,392, G>A. VCF-style: chr12-100563392-G-A. GRCh37 (hg19) VCF-style: chr12-100957170-G-A.
Other names: c.1334G>A, p.Arg445Gln (NM_001206977.2); c.1181G>A, p.Arg394Gln (NM_001206978.2); c.1352G>A, p.Arg451Gln (NM_001206992.2); c.1364G>A, p.Arg455Gln (NM_001206993.2); c.1322G>A, p.Arg441Gln (NM_005123.4); short protein forms R394Q, R445Q, R441Q, R455Q, R451Q.
Identifiers: ClinVar variation 4753984 (VCV004753984.1).
Genomic context (GRCh38, chr12:100,563,392, plus strand): 5'-TTCACCAGCCTGAAAATCCTCAACACTTTGCCTGTCTCCTGGGTCGCCTGACTGAATTAC[G>A]GACATTCAATCATCACCACGCTGAGATGCTGATGTCATGGAGAGTAAACGACCACAAGTT-3'
Protein context (NP_001193908.1, residues 435-455): ACLLGRLTEL[Arg445Gln]TFNHHHAEML

ClinVar aggregate classification (germline): Uncertain significance (1 of 4 stars; one submission).

gnomAD v4.1: 36 of 1,613,826 alleles (0.0022%); highest among the groups gnomAD compares: East Asian, 0.018%; no homozygotes.

Submission:

Labcorp Genetics (formerly Invitae), Labcorp
Classification: Uncertain significance. Last evaluated: 2026-01-12. Review status: criteria provided, single submitter. Criteria: Invitae Variant Classification Sherloc (09022015). Collection method: clinical testing. Allele origin: germline.
Comment: This sequence change replaces arginine, which is basic and polar, with glutamine, which is neutral and polar, at codon 441 of the NR1H4 protein (p.Arg441Gln). This variant is present in population databases (rs113553663, gnomAD 0.005%). This variant has not been reported in the literature in individuals affected with NR1H4-related conditions. An algorithm developed to predict the effect of missense changes on protein structure and function (PolyPhen-2) suggests that this variant is likely to be disruptive. In summary, the available evidence is currently insufficient to determine the role of this variant in disease. Therefore, it has been classified as a Variant of Uncertain Significance.